The following is an entry in ClinVar:

ClinVar aggregate classification (germline): Uncertain significance. Review status: criteria provided, multiple submitters, no conflicts (2 of 4 stars). 2 submissions from 2 submitters: Uncertain significance (2). Last evaluated 2026-04-03.

Conditions:
Hereditary cancer-predisposing syndrome. Also called: Tumor predisposition; Neoplastic Syndromes, Hereditary; Hereditary neoplastic syndrome; Hereditary Cancer Syndrome. Identifiers: Orphanet 140162, MedGen C0027672, MeSH D009386, MONDO:0015356.
Retinoblastoma (RB1). Also called: RETINOBLASTOMA, SOMATIC. Identifiers: Orphanet 790, MedGen C0035335, MeSH D012175, MONDO:0008380, OMIM 180200, HP:0009919. Disease mechanism: loss of function. Inheritance: Both sporadic and heritable forms are tested..

Allele frequency attached by ClinVar (database versions not stated): TOPMed 0.00001.

Submissions (2):

Ambry Genetics
Classification: Uncertain significance for Hereditary cancer-predisposing syndrome. Last evaluated: 2026-04-03. Review status: criteria provided, single submitter. Criteria: Ambry Variant Classification Scheme 2023. Collection method: clinical testing. Allele origin: germline.
Comment: The p.C283Y variant (also known as c.848G>A), located in coding exon 8 of the RB1 gene, results from a G to A substitution at nucleotide position 848. The cysteine at codon 283 is replaced by tyrosine, an amino acid with highly dissimilar properties. This amino acid position is highly conserved in available vertebrate species. In addition, this alteration is predicted to be deleterious by in silico analysis. Based on the available evidence, the clinical significance of this variant remains unclear.

Labcorp Genetics (formerly Invitae), Labcorp
Classification: Uncertain significance for Retinoblastoma. Last evaluated: 2026-01-10. Review status: criteria provided, single submitter. Criteria: Invitae Variant Classification Sherloc (09022015). Collection method: clinical testing. Allele origin: germline.
Comment: This sequence change replaces cysteine, which is neutral and slightly polar, with tyrosine, which is neutral and polar, at codon 283 of the RB1 protein (p.Cys283Tyr). This variant is not present in population databases (gnomAD no frequency). This variant has not been reported in the literature in individuals affected with RB1-related conditions. ClinVar contains an entry for this variant (Variation ID: 857050). Invitae Evidence Modeling of protein sequence and biophysical properties (such as structural, functional, and spatial information, amino acid conservation, physicochemical variation, residue mobility, and thermodynamic stability) indicates that this missense variant is expected to disrupt RB1 protein function with a positive predictive value of 80%. In summary, the available evidence is currently insufficient to determine the role of this variant in disease. Therefore, it has been classified as a Variant of Uncertain Significance.

NM_000321.3(RB1):c.848G>A (p.Cys283Tyr)

Gene: RB1 (RB transcriptional corepressor 1; plus strand). Cytogenetic location: 13q14.2.
Variant type: single nucleotide variant.
Coding change: c.848G>A on transcript NM_000321.3 (MANE Select); coding-DNA position 848, G replaced by A.
Protein change: p.Cys283Tyr; replaces cysteine 283 with tyrosine.
Molecular consequence: missense variant.
Genome position (GRCh38, 1-based): chr13:48,362,944, G>A. VCF-style: chr13-48362944-G-A. GRCh37 (hg19) VCF-style: chr13-48937080-G-A.
Other names: short protein forms C283Y.
Identifiers: ClinVar variation 857050 (VCV000857050.10), dbSNP rs1273219762, ClinGen allele CA388159672.